The following is an entry in ClinVar:

ClinVar aggregate classification (germline): Likely benign (1 of 4 stars; one submission).

Allele frequency attached by ClinVar (database versions not stated): TOPMed 0.00002; ExAC 0.00001.
gnomAD v4.1: 8 of 1,591,758 alleles (0.0005%); highest among the groups gnomAD compares: African/African-American, 0.0013%; no homozygotes.

Submission:

GeneDx
Classification: Likely benign. Last evaluated: 2017-08-31. Review status: criteria provided, single submitter. Criteria: GeneDx Variant Classification (06012015). Collection method: clinical testing. Allele origin: germline. Affected: yes.
Comment: This variant is considered likely benign or benign based on one or more of the following criteria: it is a conservative change, it occurs at a poorly conserved position in the protein, it is predicted to be benign by multiple in silico algorithms, and/or has population frequency not consistent with disease.

NM_002878.4(RAD51D):c.-48C>T

Genes: RAD51D (RAD51 paralog D; minus strand), RAD51L3-RFFL (RAD51L3-RFFL readthrough; minus strand). Cytogenetic location: 17q12.
Variant type: single nucleotide variant.
Coding change: c.-48C>T on transcript NM_002878.4 (MANE Select); 48 bases upstream of the start codon, C replaced by T.
Molecular consequence: 5 prime UTR variant. On other transcripts: non-coding transcript variant (2).
Genome position (GRCh38, 1-based): chr17:35,119,661, G>A on the plus strand (C>T on the coding strand, the complement: RAD51D is on the minus strand). VCF-style: chr17-35119661-G-A. GRCh37 (hg19) VCF-style: chr17-33446680-G-A.
Other names: c.-48C>T (NM_001142571.2, NM_133629.3).
Identifiers: ClinVar variation 516566 (VCV000516566.1), dbSNP rs759556682, ClinGen allele CA8499722.